The following is an entry in ClinVar:

NM_000051.4(ATM):c.4695del (p.Pro1566fs)

Gene: ATM (ATM serine/threonine kinase; plus strand). Cytogenetic location: 11q22.3.
Variant type: Deletion.
Coding change: c.4695del on transcript NM_000051.4 (MANE Select); coding-DNA position 4695, one base deleted (T; older notation c.4695delT).
Protein change: p.Pro1566fs; shifts the reading frame from proline 1566.
Molecular consequence: frameshift variant.
Genome position (GRCh38, 1-based): chr11:108,293,396, T deleted; the last of 4 consecutive T bases (chr11:108,293,393-108,293,396); deleting any one gives the same sequence. VCF-style (leftmost placement, unchanged base first): chr11-108293392-CT-C. GRCh37 (hg19) VCF-style: chr11-108164119-CT-C.
Other names: c.4695delT (NM_000051.3); c.4695del, p.Pro1566fs (NM_001351834.2); short protein forms P1566fs.
Identifiers: ClinVar variation 371667 (VCV000371667.7), dbSNP rs1057517452, ClinGen allele CA16041411.

ClinVar aggregate classification (germline): Pathogenic/Likely pathogenic. Review status: criteria provided, multiple submitters, no conflicts (2 of 4 stars). 4 submissions from 4 submitters: Pathogenic (2); Likely pathogenic (1). 1 of the submissions does not count toward it. Last evaluated 2024-10-06.

Conditions:
Hereditary cancer-predisposing syndrome. Also called: Tumor predisposition; Hereditary Cancer Syndrome; Hereditary neoplastic syndrome; Neoplastic Syndromes, Hereditary. Identifiers: Orphanet 140162, MedGen C0027672, MeSH D009386, MONDO:0015356.
Ataxia-telangiectasia syndrome (AT). Also called: ATAXIA-TELANGIECTASIA, COMPLEMENTATION GROUP A; ATAXIA-TELANGIECTASIA, FRESNO VARIANT; Ataxia-telangiectasia; Ataxia telangiectasia (A-T); Cerebello-oculocutaneous telangiectasia; Immunodeficiency with ataxia telangiectasia. Identifiers: Orphanet 100, MedGen C0004135, MONDO:0008840, OMIM 208900.

Submissions (4):

Labcorp Genetics (formerly Invitae), Labcorp
Classification: Pathogenic for Ataxia-telangiectasia syndrome. Last evaluated: 2024-10-06. Review status: criteria provided, single submitter. Criteria: Invitae Variant Classification Sherloc (09022015). Collection method: clinical testing. Allele origin: germline.
Comment: This sequence change creates a premature translational stop signal (p.Pro1566Leufs*35) in the ATM gene. It is expected to result in an absent or disrupted protein product. Loss-of-function variants in ATM are known to be pathogenic (PMID: 23807571, 25614872). This variant is not present in population databases (gnomAD no frequency). This variant has not been reported in the literature in individuals affected with ATM-related conditions. ClinVar contains an entry for this variant (Variation ID: 371667). Algorithms developed to predict the effect of sequence changes on RNA splicing suggest that this variant may disrupt the consensus splice site. For these reasons, this variant has been classified as Pathogenic.

Ambry Genetics
Classification: Pathogenic for Hereditary cancer-predisposing syndrome. Last evaluated: 2022-11-21. Review status: criteria provided, single submitter. Criteria: Ambry Variant Classification Scheme 2023. Collection method: clinical testing. Allele origin: germline.
Comment: The c.4695delT pathogenic mutation, located in coding exon 30 of the ATM gene, results from a deletion of one nucleotide at nucleotide position 4695, causing a translational frameshift with a predicted alternate stop codon (p.P1566Lfs*35). This alteration is expected to result in loss of function by premature protein truncation or nonsense-mediated mRNA decay. As such, this alteration is interpreted as a disease-causing mutation.

Laboratorio de Genetica e Diagnostico Molecular, Hospital Israelita Albert Einstein
Classification: Likely pathogenic for Ataxia-telangiectasia syndrome. Last evaluated: 2022-11-18. Review status: criteria provided, single submitter. Criteria: ACMG Guidelines, 2015. Collection method: clinical testing. Allele origin: germline. Affected: yes. Observed: 1 variant allele.
Comment: ACMG classification criteria: PVS1 very strong, PM2 moderated

Counsyl
Classification: Likely pathogenic for Ataxia-telangiectasia syndrome. Last evaluated: 2016-11-11. Review status: no assertion criteria provided. Collection method: clinical testing. Allele origin: unknown. Not counted in ClinVar's aggregate classification.

Literature cited by the submitters: PubMed 23807571 (cited by Labcorp Genetics (formerly Invitae), Labcorp); PubMed 25614872 (cited by Labcorp Genetics (formerly Invitae), Labcorp).